The following is an entry in ClinVar:

ClinVar aggregate classification (germline): Uncertain significance (1 of 4 stars; one submission).

Submission:

Labcorp Genetics (formerly Invitae), Labcorp
Classification: Uncertain significance. Last evaluated: 2024-12-30. Review status: criteria provided, single submitter. Criteria: Invitae Variant Classification Sherloc (09022015). Collection method: clinical testing. Allele origin: germline.
Comment: This sequence change replaces asparagine, which is neutral and polar, with threonine, which is neutral and polar, at codon 956 of the ERBIN protein (p.Asn956Thr). This variant is not present in population databases (gnomAD no frequency). This variant has not been reported in the literature in individuals affected with ERBIN-related conditions. An algorithm developed to predict the effect of missense changes on protein structure and function (PolyPhen-2) suggests that this variant is likely to be tolerated. In summary, the available evidence is currently insufficient to determine the role of this variant in disease. Therefore, it has been classified as a Variant of Uncertain Significance.

NM_001253697.2(ERBIN):c.2867A>C (p.Asn956Thr)

Gene: ERBIN (erbb2 interacting protein; plus strand). Cytogenetic location: 5q12.3.
Variant type: single nucleotide variant.
Coding change: c.2867A>C on transcript NM_001253697.2 (MANE Select); coding-DNA position 2867, A replaced by C.
Protein change: p.Asn956Thr; replaces asparagine 956 with threonine.
Molecular consequence: missense variant.
Genome position (GRCh38, 1-based): chr5:66,054,185, A>C. VCF-style: chr5-66054185-A-C. GRCh37 (hg19) VCF-style: chr5-65350013-A-C.
Other names: c.2867A>C, p.Asn956Thr (NM_001253698.2, NM_001253699.2, NM_018695.4 and 1 more transcripts); c.2855A>C, p.Asn952Thr (NM_001253701.2); short protein forms N952T, N956T.
Identifiers: ClinVar variation 3665079 (VCV003665079.2).